The following is an entry in ClinVar:

NM_032590.5(KDM2B):c.1390C>G (p.Pro464Ala)

Gene: KDM2B (lysine demethylase 2B; minus strand). Cytogenetic location: 12q24.31.
Variant type: single nucleotide variant.
Coding change: c.1390C>G on transcript NM_032590.5 (MANE Select); coding-DNA position 1390, C replaced by G.
Protein change: p.Pro464Ala; replaces proline 464 with alanine.
Molecular consequence: missense variant.
Genome position (GRCh38, 1-based): chr12:121,509,824, G>C on the plus strand (C>G on the coding strand, the complement: KDM2B is on the minus strand). VCF-style: chr12-121509824-G-C. GRCh37 (hg19) VCF-style: chr12-121947627-G-C.
Other names: c.1297C>G, p.Pro433Ala (NM_001005366.2); short protein forms P433A, P464A.
Identifiers: ClinVar variation 3897509 (VCV003897509.1).
Genomic context (GRCh38, chr12:121,509,824, plus strand): 5'-TGGACTTCACACTTTCCTCCGACTCATTAGACAAAGTCCTTTTGAGGAATCGCAGGGCAG[G>C]TGCTTTGGGCTTCTTCCCGAGGGCCTCCTGGTCCTCAGAGGGCGTGCTGGTGGGTGAAGT-3'
Protein context (NP_115979.3, residues 454-474): QEALGKKPKA[Pro464Ala]ALRFLKRTLS

ClinVar aggregate classification (germline): Uncertain significance (1 of 4 stars; one submission).

Submission:

GeneDx
Classification: Uncertain significance. Last evaluated: 2024-10-30. Review status: criteria provided, single submitter. Criteria: GeneDx Variant Classification Process June 2021. Collection method: clinical testing. Allele origin: germline. Affected: yes.
Comment: Not observed at significant frequency in large population cohorts (gnomAD); In silico analysis indicates that this missense variant does not alter protein structure/function; Has not been previously published as pathogenic or benign to our knowledge